The following is an entry in ClinVar:

ClinVar aggregate classification (germline): Uncertain significance (1 of 4 stars; one submission).

Conditions:
Familial hypobetalipoproteinemia 1. Also called: APOB-Related Familial Hypobetalipoproteinemia; Hypobetalipoproteinemia, normotriglyceridemic; Acanthocytosis with hypobetalipoproteinemia. Identifiers: MedGen C4551990, MONDO:0014252, OMIM 615558.
Hypercholesterolemia, autosomal dominant, type B (FHCL2). Also called: Familial Hypercholesterolemia Type B; APOLIPOPROTEIN B-100, FAMILIAL DEFECTIVE; APOLIPOPROTEIN B-100, FAMILIAL LIGAND-DEFECTIVE; HYPERCHOLESTEROLEMIA, FAMILIAL, DUE TO LIGAND-DEFECTIVE APOLIPOPROTEIN B; APOB-Related Familial Hypercholesterolemia, Autosomal Dominant; Familial hypercholesterolemia 2. Identifiers: MedGen C1704417, MONDO:0007751, OMIM 144010.

Submission:

Labcorp Genetics (formerly Invitae), Labcorp
Classification: Uncertain significance for Familial hypobetalipoproteinemia 1; Hypercholesterolemia, autosomal dominant, type B. Last evaluated: 2020-11-21. Review status: criteria provided, single submitter. Criteria: Invitae Variant Classification Sherloc (09022015). Collection method: clinical testing. Allele origin: germline.
Comment: In summary, the available evidence is currently insufficient to determine the role of this variant in disease. Therefore, it has been classified as a Variant of Uncertain Significance. Algorithms developed to predict the effect of missense changes on protein structure and function output the following: SIFT: "Tolerated"; PolyPhen-2: "Benign"; Align-GVGD: "Class C0". The tyrosine amino acid residue is found in multiple mammalian species, suggesting that this missense change does not adversely affect protein function. These predictions have not been confirmed by published functional studies and their clinical significance is uncertain. This variant has not been reported in the literature in individuals with APOB-related conditions. This variant is not present in population databases (ExAC no frequency). This sequence change replaces histidine with tyrosine at codon 1329 of the APOB protein (p.His1329Tyr). The histidine residue is weakly conserved and there is a moderate physicochemical difference between histidine and tyrosine.

NM_000384.3(APOB):c.3985C>T (p.His1329Tyr)

Gene: APOB (apolipoprotein B; minus strand). Cytogenetic location: 2p24.1.
Variant type: single nucleotide variant.
Coding change: c.3985C>T on transcript NM_000384.3 (MANE Select); coding-DNA position 3985, C replaced by T.
Protein change: p.His1329Tyr; replaces histidine 1329 with tyrosine.
Molecular consequence: missense variant.
Genome position (GRCh38, 1-based): chr2:21,013,391, G>A on the plus strand (C>T on the coding strand, the complement: APOB is on the minus strand). VCF-style: chr2-21013391-G-A. GRCh37 (hg19) VCF-style: chr2-21236263-G-A.
Other names: short protein forms H1329Y.
Identifiers: ClinVar variation 1382643 (VCV001382643.8), dbSNP rs2103360912, ClinGen allele CA346007856.